The following is an entry in ClinVar:

NM_001037.5(SCN1B):c.448+112G>A

Gene: SCN1B (sodium voltage-gated channel beta subunit 1; plus strand). Cytogenetic location: 19q13.11.
Variant type: single nucleotide variant.
Coding change: c.448+112G>A on transcript NM_001037.5 (MANE Select); 112 bases into the intron after coding-DNA position 448, G replaced by A.
Molecular consequence: intron variant. On other transcripts: missense variant (1).
Genome position (GRCh38, 1-based): chr19:35,033,851, G>A. VCF-style: chr19-35033851-G-A. GRCh37 (hg19) VCF-style: chr19-35524755-G-A.
Other names: p.R187H:CGC>CAC; c.560G>A, p.Arg187His (NM_199037.5); c.349+112G>A (NM_001321605.2); short protein forms R187H.
Identifiers: ClinVar variation 180509 (VCV000180509.14), dbSNP rs72558026, ClinGen allele CA302127.

ClinVar aggregate classification (germline): Conflicting classifications of pathogenicity. Review status: criteria provided, conflicting classifications (1 of 4 stars). 5 submissions from 5 submitters: Uncertain significance (2); Benign (3). Last evaluated 2026-01-24.

Conditions:
Brugada syndrome 5 (BRGDA5). Identifiers: Orphanet 130, Orphanet 871, MedGen C2748541, MONDO:0013015, OMIM 612838.

Allele frequency attached by ClinVar (database versions not stated): gnomAD 0.00049 and 0.00069; TOPMed 0.00079; gnomAD exomes 0.00149; ExAC 0.00165; 1000 Genomes Project 30x 0.00422; 1000 Genomes Project 0.00479.
gnomAD v4.1: 658 of 1,610,784 alleles (0.041%); highest among the groups gnomAD compares: East Asian, 1.3%; 9 homozygotes.

Submissions (5):

Labcorp Genetics (formerly Invitae), Labcorp
Classification: Benign for Brugada syndrome 5. Last evaluated: 2026-01-24. Review status: criteria provided, single submitter. Criteria: Invitae Variant Classification Sherloc (09022015). Collection method: clinical testing. Allele origin: germline.

Blueprint Genetics
Classification: Uncertain significance. Last evaluated: 2024-11-06. Review status: criteria provided, single submitter. Criteria: ACMG Guidelines, 2015. Collection method: clinical testing. Allele origin: germline.

Women's Health and Genetics/Laboratory Corporation of America, LabCorp
Classification: Benign. Last evaluated: 2018-07-09. Review status: criteria provided, single submitter. Criteria: LabCorp Variant Classification Summary - May 2015. Collection method: clinical testing. Allele origin: germline.
Comment: Variant summary: SCN1B c.560G>A (p.Arg187His) results in a non-conservative amino acid change in the encoded protein sequence. Three of five in-silico tools predict a benign effect of the variant on protein function. The variant allele was found at a frequency of 0.0014 in 271814 control chromosomes in the gnomAD database, including 5 homozygotes. The observed variant frequency is approximately 137-fold of the estimated maximal expected allele frequency for a pathogenic variant in SCN1B causing Arrhythmia phenotype (1e-05), strongly suggesting that the variant is benign. The variant, c.560G>A, has been reported in the literature in individuals affected with idiopathic cardiac arrest and one patient with cardiopulmonary arrest and Brugada-pattern electrocardiogram (Mellor_2017, Nakajima_2012). These report(s) do not provide unequivocal conclusions about association of the variant with Arrhythmia. To our knowledge, no experimental evidence demonstrating an impact on protein function has been reported. Two clinical diagnostic laboratories have submitted clinical-significance assessments for this variant to ClinVar after 2014 without evidence for independent evaluation and classified the variant as benign. Based on the evidence outlined above, the variant was classified as benign.

GeneDx
Classification: Benign. Last evaluated: 2017-07-18. Review status: criteria provided, single submitter. Criteria: GeneDx Variant Classification (06012015). Collection method: clinical testing. Allele origin: germline. Affected: yes.
Comment: This variant is considered likely benign or benign based on one or more of the following criteria: it is a conservative change, it occurs at a poorly conserved position in the protein, it is predicted to be benign by multiple in silico algorithms, and/or has population frequency not consistent with disease.

Biesecker Lab/Clinical Genomics Section, National Institutes of Health
Classification: Uncertain significance. Last evaluated: 2013-06-24. Review status: criteria provided, single submitter. Criteria: Ng et al. (Circ Cardiovasc Genet. 2013). Collection method: research. Allele origin: unknown. Observed: 4 variant alleles. Study: ClinSeq.
Comment: The study set was not selected for affection status in relation to any cancer. Pathogenicity categories were based on literature curation. See Pubmed ID:23861362 for details.

Medical sequencing

Literature cited by the submitters: PubMed 28600387 (cited by Women's Health and Genetics/Laboratory Corporation of America, LabCorp); PubMed 22987075 (cited by Women's Health and Genetics/Laboratory Corporation of America, LabCorp).